The following is an entry in ClinVar:

ClinVar aggregate classification (germline): Likely pathogenic (1 of 4 stars; one submission).

Conditions:
Cardiac-urogenital syndrome (CUGS). Also called: MYRF-Related Cardiac Urogenital Syndrome. Identifiers: Orphanet 647811, MedGen C4748946, MONDO:0032653, OMIM 618280.

Submission:

New York Genome Center
Classification: Likely pathogenic for Cardiac-urogenital syndrome. Last evaluated: 2022-06-14. Review status: criteria provided, single submitter. Criteria: NYGC Assertion Criteria 2020. Collection method: clinical testing. Allele origin: de novo. Affected: yes. Observed: 1 heterozygote. Study: PrenatalSEQ.
Comment: The de novo c.859_1591-84del, p.(Leu287_Arg530del) variant is a ~5.5KB deletion on the long arm of chromosome 11 (11q12.2). This deletion encompasses the C-terminal part of exon 6, as well as exon 7-11 of the canonical MYRF transcript, as well as intervening and flanking intronic sequences. This is predicted to lead to an in-frame loss of amino acids p.Leu287 through p.Arg530 (loss of 244/1151 amino acids, ~21% of the protein) including a part of the NDT80 DNA-Binding domain (UniProtKB: Q9Y2G1). This variant is absent from gnomAD SVs v2.1 as well as the Database of Genomic Variants (DGV), suggesting it is not a common benign variant in the populations represented in that database. In-frame microdeletions in MYRF gene have not been reported in individuals with MYRF-related disorders, but de novo missense and loss-of-function variants in the DNA binding domain have been reported as pathogenic in individuals with MYRF-related disorders [PMID: 31069960] and functional studies have shown that these variants alter the transcription factor function of MYRF by haploinsufficiency (F387S, Q403H, and L479V) or dominant negative effect (G435R) [PMID: 33798553]. Based on the available evidence, the de novo heterozygous c.859_1591-84del, p.(Leu287_Arg530del) variant identified in the MYRF gene is reported as Likely Pathogenic.

NM_001127392.3(MYRF):c.859_1591-84del

Genes: MYRF (myelin regulatory factor; plus strand), LOC130005807 (ATAC-STARR-seq lymphoblastoid active region 4800; plus strand). Cytogenetic location: 11q12.2.
Variant type: Deletion.
Coding change: c.859_1591-84del on transcript NM_001127392.3 (MANE Select); coding-DNA position 859 through 84 bases into the intron before coding-DNA position 1591, 5,563 bases deleted.
Molecular consequence: splice acceptor variant, splice donor variant.
Genome position (GRCh38, 1-based): chr11:61,771,618-61,777,180, 5,563 bases deleted. GRCh37 (hg19): chr11:61,539,090-61,544,652.
Other names: c.832_1564-84del (NM_013279.4).
Identifiers: ClinVar variation 3235925 (VCV003235925.1), ClinGen allele CA2825002019.